The following is an entry in ClinVar:

ClinVar aggregate classification (germline): Uncertain significance (1 of 4 stars; one submission).

Allele frequency attached by ClinVar (database versions not stated): gnomAD exomes below 0.00001.
gnomAD v4.1: 1 of 1,211,496 alleles (0.000083%); highest among the groups gnomAD compares: Non-Finnish European, 0.00011%; no homozygotes.

Submission:

Labcorp Genetics (formerly Invitae), Labcorp
Classification: Uncertain significance. Last evaluated: 2022-06-20. Review status: criteria provided, single submitter. Criteria: Invitae Variant Classification Sherloc (09022015). Collection method: clinical testing. Allele origin: germline.
Comment: This sequence change replaces glycine, which is neutral and non-polar, with serine, which is neutral and polar, at codon 137 of the HSD17B10 protein (p.Gly137Ser). This variant is not present in population databases (gnomAD no frequency). In summary, the available evidence is currently insufficient to determine the role of this variant in disease. Therefore, it has been classified as a Variant of Uncertain Significance. Algorithms developed to predict the effect of missense changes on protein structure and function output the following: SIFT: "Tolerated"; PolyPhen-2: "Benign"; Align-GVGD: "Class C0". The serine amino acid residue is found in multiple mammalian species, which suggests that this missense change does not adversely affect protein function. This variant has not been reported in the literature in individuals affected with HSD17B10-related conditions.

NM_004493.3(HSD17B10):c.409G>A (p.Gly137Ser)

Gene: HSD17B10 (hydroxysteroid 17-beta dehydrogenase 10; minus strand). Cytogenetic location: Xp11.22.
Variant type: single nucleotide variant.
Coding change: c.409G>A on transcript NM_004493.3 (MANE Select); coding-DNA position 409, G replaced by A.
Protein change: p.Gly137Ser; replaces glycine 137 with serine.
Molecular consequence: missense variant.
Genome position (GRCh38, 1-based): chrX:53,432,065, C>T on the plus strand (G>A on the coding strand, the complement: HSD17B10 is on the minus strand). VCF-style: chrX-53432065-C-T. GRCh37 (hg19) VCF-style: chrX-53459013-C-T.
Other names: c.409G>A, p.Gly137Ser (NM_001037811.2); short protein forms G137S.
Identifiers: ClinVar variation 1386223 (VCV001386223.8), dbSNP rs2146628049, ClinGen allele CA413152227.